The following is an entry in ClinVar:

ClinVar aggregate classification (germline): Likely pathogenic (1 of 4 stars; one submission).

Conditions:
Mitochondrial DNA depletion syndrome 13. Also called: FBXL4-Related Encephalomyopathic Mitochondrial DNA Depletion Syndrome; Mitochondrial DNA depletion syndrome 13 (encephalomyopathic type). Identifiers: Orphanet 369897, MedGen C3809592, MONDO:0014198, OMIM 615471.

gnomAD v4.1: 1 of 1,613,962 alleles (0.000062%); no homozygotes.

Submission:

Wong Mito Lab, Molecular and Human Genetics, Baylor College of Medicine
Classification: Likely pathogenic for Mitochondrial DNA depletion syndrome 13. Last evaluated: 2017-08-10. Review status: criteria provided, single submitter. Criteria: ACMG Guidelines, 2015. Collection method: clinical testing. Allele origin: germline. Affected: yes.
Comment: The NM_012160.4:c.1229C>T (NP_036292.2:p.Ser410Phe) [GRCH38: NC_000006.12:g.98899356G>A] variant in FBXL4 gene is interpretated to be a Likely Pathogenic based on ACMG guidelines (PMID: 25741868). This variant has been reported in PMID:23993194 . This variant meets one or more of the following evidence codes reported in the ACMG-guideline. PS3:A well established functional studies show a deleterious effect on FBXL4. PM2:This variant is absent in key population databases. PP2:This is a missense variant in FBXL4 with a low rate of benign and high rate of pathogenic missense variations. PP4:Patientâ€™s phenotype or family history is highly specific for FBXL4. PP5:Reputable source(s) suggest that the variant is pathogenic. Based on this evidence code ClinGen Pathogenicity Calculator (PMID:28081714) suggested that the variant is Likely Pathogenic.

Literature cited by the submitters: PubMed 23993194.

NM_001278716.2(FBXL4):c.1229C>T (p.Ser410Phe)

Gene: FBXL4 (F-box and leucine rich repeat protein 4; minus strand). Cytogenetic location: 6q16.1.
Variant type: single nucleotide variant.
Coding change: c.1229C>T on transcript NM_001278716.2 (MANE Select); coding-DNA position 1229, C replaced by T.
Protein change: p.Ser410Phe; replaces serine 410 with phenylalanine.
Molecular consequence: missense variant. On other transcripts: non-coding transcript variant (2).
Genome position (GRCh38, 1-based): chr6:98,899,356, G>A on the plus strand (C>T on the coding strand, the complement: FBXL4 is on the minus strand). VCF-style: chr6-98899356-G-A. GRCh37 (hg19) VCF-style: chr6-99347232-G-A.
Other names: c.1229C>T, p.Ser410Phe (NM_012160.5); short protein forms S410F.
Identifiers: ClinVar variation 437474 (VCV000437474.1), dbSNP rs1554218821, ClinGen allele CA16021017.